The following is an entry in ClinVar:

NM_001374736.1(DST):c.1988T>C (p.Ile663Thr)

Gene: DST (dystonin; minus strand). Cytogenetic location: 6p12.1.
Variant type: single nucleotide variant.
Coding change: c.1988T>C on transcript NM_001374736.1 (MANE Select); coding-DNA position 1988, T replaced by C.
Protein change: p.Ile663Thr; replaces isoleucine 663 with threonine.
Molecular consequence: missense variant.
Genome position (GRCh38, 1-based): chr6:56,641,986, A>G on the plus strand (T>C on the coding strand, the complement: DST is on the minus strand). VCF-style: chr6-56641986-A-G. GRCh37 (hg19) VCF-style: chr6-56506784-A-G.
Other names: c.1889T>C, p.Ile630Thr (NM_001144769.5); c.1475T>C, p.Ile492Thr (NM_001144770.2); c.1988T>C, p.Ile663Thr (NM_001374722.1); c.1355T>C, p.Ile452Thr (NM_001374729.1, NM_001374730.1, NM_001386100.1 and 1 more transcripts); c.2015T>C, p.Ile672Thr (NM_001374734.1); c.377T>C, p.Ile126Thr (NM_001723.7, NM_015548.5); short protein forms I126T, I452T, I492T, I663T, I672T, I630T.
Identifiers: ClinVar variation 1782031 (VCV001782031.2), dbSNP rs771000311, ClinGen allele CA3871514.

ClinVar aggregate classification (germline): Uncertain significance (1 of 4 stars; one submission).

Conditions:
Inborn genetic diseases. Identifiers: MedGen C0950123, MeSH D030342.

Allele frequency attached by ClinVar (database versions not stated): ExAC 0.00001; gnomAD 0.00001; gnomAD exomes 0.00001.

Submission:

Ambry Genetics
Classification: Uncertain significance for Inborn genetic diseases. Last evaluated: 2021-10-14. Review status: criteria provided, single submitter. Criteria: Ambry Variant Classification Scheme 2023. Collection method: clinical testing. Allele origin: germline.
Comment: The p.I630T variant (also known as c.1889T>C), located in coding exon 16 of the DST gene, results from a T to C substitution at nucleotide position 1889. The isoleucine at codon 630 is replaced by threonine, an amino acid with similar properties. This amino acid position is not well conserved in available vertebrate species, and threonine is the reference amino acid in other vertebrate species. In addition, the in silico prediction for this alteration is inconclusive. Since supporting evidence is limited at this time, the clinical significance of this alteration remains unclear.